The following is an entry in ClinVar:

NM_000256.3(MYBPC3):c.1351G>A (p.Glu451Lys)

Gene: MYBPC3 (myosin binding protein C3; minus strand). Cytogenetic location: 11p11.2.
Variant type: single nucleotide variant.
Coding change: c.1351G>A on transcript NM_000256.3 (MANE Select); coding-DNA position 1351, G replaced by A.
Protein change: p.Glu451Lys; replaces glutamic acid 451 with lysine.
Molecular consequence: missense variant.
Genome position (GRCh38, 1-based): chr11:47,343,021, C>T on the plus strand (G>A on the coding strand, the complement: MYBPC3 is on the minus strand). VCF-style: chr11-47343021-C-T. GRCh37 (hg19) VCF-style: chr11-47364572-C-T.
Other names: short protein forms E451K.
Identifiers: ClinVar variation 3297223 (VCV003297223.5).
Genomic context (GRCh38, chr11:47,343,021, plus strand): 5'-GTTGGCTCCCCTGAGGCCATCTCCTCCCCAGGTTCCCACATCCTCAGGTCCCAGGCCCAC[C>T]TTTCACAAAGAGCTCCGTGCTACACTTCTCGCCACCCACCACGCACTGGTAGGCTGCGTC-3'
Protein context (NP_000247.2, residues 441-461): EKCSTELFVK[Glu451Lys]PPVLITRPLE

ClinVar aggregate classification (germline): Uncertain significance. Review status: criteria provided, multiple submitters, no conflicts (2 of 4 stars). 3 submissions from 3 submitters: Uncertain significance (3). Last evaluated 2025-07-03.

Conditions:
Hypertrophic cardiomyopathy 4. Also called: Familial hypertrophic cardiomyopathy 4. Identifiers: MedGen C1861862, MONDO:0007268, OMIM 115197.
Cardiovascular phenotype. Identifiers: MedGen CN230736.
Hypertrophic cardiomyopathy. Also called: HYPERTROPHIC MYOCARDIOPATHY. Identifiers: Orphanet 217569, MedGen C0007194, MeSH D002312, MONDO:0005045, HP:0001639.

Submissions (3):

Ambry Genetics
Classification: Uncertain significance for Cardiovascular phenotype. Last evaluated: 2025-07-03. Review status: criteria provided, single submitter. Criteria: Ambry Variant Classification Scheme 2023. Collection method: clinical testing. Allele origin: germline.
Comment: The p.E451K variant (also known as c.1351G>A), located in coding exon 15 of the MYBPC3 gene, results from a G to A substitution at nucleotide position 1351. The amino acid change results in glutamic acid to lysine at codon 451, an amino acid with similar properties. However, this change occurs in the last base pair of coding exon 15, which makes it likely to have some effect on normal mRNA splicing. This variant has been reported in a hypertrophic cardiomyopathy cohort, but clinical details were limited (Harper AR et al. Nat Genet, 2021 Feb;53:135-142). This nucleotide position is highly conserved in available vertebrate species. This amino acid position is highly conserved in available vertebrate species. In silico splice site analysis predicts that this alteration will weaken the native splice donor site and may result in the creation or strengthening of a novel splice donor site. In addition, as a missense substitution the in silico prediction for this alteration is inconclusive. Based on the available evidence, the clinical significance of this variant remains unclear.

Labcorp Genetics (formerly Invitae), Labcorp
Classification: Uncertain significance for Hypertrophic cardiomyopathy. Last evaluated: 2024-09-12. Review status: criteria provided, single submitter. Criteria: Invitae Variant Classification Sherloc (09022015). Collection method: clinical testing. Allele origin: germline.
Comment: This sequence change replaces glutamic acid, which is acidic and polar, with lysine, which is basic and polar, at codon 451 of the MYBPC3 protein (p.Glu451Lys). This variant also falls at the last nucleotide of exon 15, which is part of the consensus splice site for this exon. This variant is not present in population databases (gnomAD no frequency). This variant has not been reported in the literature in individuals affected with MYBPC3-related conditions. An algorithm developed to predict the effect of missense changes on protein structure and function (PolyPhen-2) suggests that this variant is likely to be disruptive. Variants that disrupt the consensus splice site are a relatively common cause of aberrant splicing (PMID: 17576681, 9536098). Algorithms developed to predict the effect of sequence changes on RNA splicing suggest that this variant may disrupt the consensus splice site. This variant disrupts the c.1351G nucleotide in the MYBPC3 gene. Other variant(s) that disrupt this nucleotide have been determined to be pathogenic (PMID: 9562578; internal data). This suggests that this nucleotide is clinically significant, and that variants that disrupt this position are likely to be disease-causing. In summary, the available evidence is currently insufficient to determine the role of this variant in disease. Therefore, it has been classified as a Variant of Uncertain Significance.

3billion
Classification: Uncertain significance for Hypertrophic cardiomyopathy 4. Last evaluated: 2023-12-18. Review status: criteria provided, single submitter. Criteria: ACMG Guidelines, 2015. Collection method: clinical testing. Allele origin: germline. Affected: yes.
Comment: The variant is not observed in the gnomAD v2.1.1 dataset. Predicted Consequence/Location: Missense variant In silico tools predict the variant to alter splicing and produce an abnormal transcript [SpliceAI: 0.83 (>=0.2, moderate evidence for spliceogenicity)]. A different missense change at the same codon (p.Glu451Gln) has been reported to be associated with MYBPC3-related disorder (ClinVar ID: VCV000959497 / PMID: 9562578). However, the evidence of pathogenicity is insufficient at this time. Therefore, this variant is classified as VUS according to the recommendation of ACMG/AMP guideline.

Literature cited by the submitters: PubMed 33495596 (cited by Ambry Genetics); PubMed 17576681 (cited by Labcorp Genetics (formerly Invitae), Labcorp); PubMed 9536098 (cited by Labcorp Genetics (formerly Invitae), Labcorp); PubMed 9562578 (cited by Labcorp Genetics (formerly Invitae), Labcorp and 3billion).